The following is an entry in ClinVar:

NM_001127222.2(CACNA1A):c.3811C>G (p.Pro1271Ala)

Gene: CACNA1A (calcium voltage-gated channel subunit alpha1 A; minus strand). Cytogenetic location: 19p13.13.
Variant type: single nucleotide variant.
Coding change: c.3811C>G on transcript NM_001127222.2 (MANE Select); coding-DNA position 3811, C replaced by G.
Protein change: p.Pro1271Ala; replaces proline 1271 with alanine.
Molecular consequence: missense variant.
Genome position (GRCh38, 1-based): chr19:13,283,278, G>C on the plus strand (C>G on the coding strand, the complement: CACNA1A is on the minus strand). VCF-style: chr19-13283278-G-C. GRCh37 (hg19) VCF-style: chr19-13394092-G-C.
Other names: c.3823C>G, p.Pro1275Ala (NM_000068.4, NM_023035.3); c.3814C>G, p.Pro1272Ala (NM_001127221.2, NM_001174080.2); short protein forms P1271A, P1272A, P1275A.
Identifiers: ClinVar variation 3748283 (VCV003748283.2).

ClinVar aggregate classification (germline): Uncertain significance (1 of 4 stars; one submission).

Conditions:
Episodic ataxia type 2 (EA2). Also called: ACETAZOLAMIDE-RESPONSIVE HEREDITARY PAROXYSMAL CEREBELLAR ATAXIA; ATAXIA, EPISODIC, WITH NYSTAGMUS; ATAXIA, FAMILIAL PAROXYSMAL; CEREBELLAR ATAXIA, PAROXYSMAL, ACETAZOLAMIDE-RESPONSIVE; CEREBELLOPATHY, HEREDITARY PAROXYSMAL; EPISODIC ATAXIA, NYSTAGMUS-ASSOCIATED. Identifiers: Orphanet 97, MedGen C1720416, MONDO:0007163, OMIM 108500.
Developmental and epileptic encephalopathy, 42 (DEE42A). Also called: Epileptic encephalopathy, early infantile, 42; DEVELOPMENTAL AND EPILEPTIC ENCEPHALOPATHY 42A; EPILEPTIC ENCEPHALOPATHY, EARLY INFANTILE, 42A. Identifiers: MedGen C4310716, MONDO:0014917, OMIM 617106.

Submission:

Labcorp Genetics (formerly Invitae), Labcorp
Classification: Uncertain significance for Developmental and epileptic encephalopathy, 42; Episodic ataxia type 2. Last evaluated: 2024-12-30. Review status: criteria provided, single submitter. Criteria: Invitae Variant Classification Sherloc (09022015). Collection method: clinical testing. Allele origin: germline.
Comment: This sequence change replaces proline, which is neutral and non-polar, with alanine, which is neutral and non-polar, at codon 1272 of the CACNA1A protein (p.Pro1272Ala). This variant is not present in population databases (gnomAD no frequency). This variant has not been reported in the literature in individuals affected with CACNA1A-related conditions. Invitae Evidence Modeling of protein sequence and biophysical properties (such as structural, functional, and spatial information, amino acid conservation, physicochemical variation, residue mobility, and thermodynamic stability) indicates that this missense variant is not expected to disrupt CACNA1A protein function with a negative predictive value of 95%. In summary, the available evidence is currently insufficient to determine the role of this variant in disease. Therefore, it has been classified as a Variant of Uncertain Significance.